The following is an entry in ClinVar:

NM_020778.5(ALPK3):c.1862G>A (p.Arg621Lys)

Gene: ALPK3 (alpha kinase 3; plus strand). Cytogenetic location: 15q25.3.
Variant type: single nucleotide variant.
Coding change: c.1862G>A on transcript NM_020778.5 (MANE Select); coding-DNA position 1862, G replaced by A.
Protein change: p.Arg621Lys; replaces arginine 621 with lysine.
Molecular consequence: missense variant.
Genome position (GRCh38, 1-based): chr15:84,856,600, G>A. VCF-style: chr15-84856600-G-A. GRCh37 (hg19) VCF-style: chr15-85399831-G-A.
Other names: short protein forms R621K.
Identifiers: ClinVar variation 2098563 (VCV002098563.4), dbSNP rs757253502, ClinGen allele CA7709307.

ClinVar aggregate classification (germline): Uncertain significance (1 of 4 stars; one submission).

Allele frequency attached by ClinVar (database versions not stated): gnomAD exomes below 0.00001; ExAC 0.00001; gnomAD 0.00001.
gnomAD v4.1: 5 of 1,614,172 alleles (0.00031%); highest among the groups gnomAD compares: East Asian, 0.0089%; no homozygotes.

Submission:

Labcorp Genetics (formerly Invitae), Labcorp
Classification: Uncertain significance. Last evaluated: 2022-02-18. Review status: criteria provided, single submitter. Criteria: Invitae Variant Classification Sherloc (09022015). Collection method: clinical testing. Allele origin: germline.
Comment: In summary, the available evidence is currently insufficient to determine the role of this variant in disease. Therefore, it has been classified as a Variant of Uncertain Significance. Algorithms developed to predict the effect of missense changes on protein structure and function (SIFT, PolyPhen-2, Align-GVGD) all suggest that this variant is likely to be tolerated. This sequence change replaces arginine, which is basic and polar, with lysine, which is basic and polar, at codon 823 of the ALPK3 protein (p.Arg823Lys). This variant is present in population databases (rs757253502, gnomAD 0.006%). This variant has not been reported in the literature in individuals affected with ALPK3-related conditions.